The following is an entry in ClinVar:

ClinVar aggregate classification (germline): Likely pathogenic (1 of 4 stars; one submission).

Conditions:
Hereditary cancer-predisposing syndrome. Also called: Neoplastic Syndromes, Hereditary; Tumor predisposition; Hereditary Cancer Syndrome; Hereditary neoplastic syndrome. Identifiers: Orphanet 140162, MedGen C0027672, MeSH D009386, MONDO:0015356.

Submission:

Ambry Genetics
Classification: Likely pathogenic for Hereditary cancer-predisposing syndrome. Last evaluated: 2025-09-18. Review status: criteria provided, single submitter. Criteria: Ambry Variant Classification Scheme 2023. Collection method: clinical testing. Allele origin: germline.
Comment: The c.2135dupA variant, located in coding exon 11 of the BARD1 gene, results from a duplication of A at nucleotide position 2135, causing a translational frameshift with a predicted alternate stop codon (p.D712Efs*18). This alteration occurs at the 3' terminus of the gene, is not expected to trigger nonsense-mediated mRNA decay, and impacts the last 8.5% of the protein. However, premature stop codons are typically deleterious in nature and a significant portion of the protein is affected and the impacted region is critical for protein function (Ambry internal data). This variant is considered to be rare based on population cohorts in the Genome Aggregation Database (gnomAD). Based on the majority of available evidence to date, this variant is likely to be pathogenic.

NM_000465.4(BARD1):c.2135dup (p.Asp712fs)

Gene: BARD1 (BRCA1 associated RING domain 1; minus strand). Cytogenetic location: 2q35.
Variant type: Duplication.
Coding change: c.2135dup on transcript NM_000465.4 (MANE Select); coding-DNA position 2135, one base duplicated (A; older notation c.2135dupA).
Protein change: p.Asp712fs; shifts the reading frame from aspartic acid 712.
Molecular consequence: frameshift variant. On other transcripts: non-coding transcript variant (3).
Genome position (GRCh38, 1-based): chr2:214,728,875, T duplicated on the plus strand (A on the coding strand, the reverse complement: BARD1 is on the minus strand). VCF-style (leftmost placement, unchanged base first): chr2-214728874-G-GT. GRCh37 (hg19) VCF-style: chr2-215593598-G-GT.
Other names: c.2078dup, p.Asp693fs (NM_001282543.2); c.782dup, p.Asp261fs (NM_001282545.2); c.725dup, p.Asp242fs (NM_001282548.2); c.596dup, p.Asp199fs (NM_001282549.2); short protein forms D712fs, D261fs, D693fs, D199fs, D242fs.
Identifiers: ClinVar variation 4621556 (VCV004621556.1).
Genomic context (GRCh38, chr2:214,728,874, plus strand): 5'-GAAGCGCTGATCAGAATCGGGTCTCGCATGGTATGCGACTGTATTGATGGTCTGAGTCAC[G>GT]TCACTGTCTGGCTTGGGCTTTCTACTGAGGATCTGGCCCCCACCTGCAGTGACGAGCTTA-3'